The following is an entry in ClinVar:

NM_001110556.2(FLNA):c.2887G>A (p.Val963Met)

Gene: FLNA (filamin A; minus strand). Cytogenetic location: Xq28.
Variant type: single nucleotide variant.
Coding change: c.2887G>A on transcript NM_001110556.2 (MANE Select); coding-DNA position 2887, G replaced by A.
Protein change: p.Val963Met; replaces valine 963 with methionine.
Molecular consequence: missense variant.
Genome position (GRCh38, 1-based): chrX:154,361,727, C>T on the plus strand (G>A on the coding strand, the complement: FLNA is on the minus strand). VCF-style: chrX-154361727-C-T. GRCh37 (hg19) VCF-style: chrX-153590095-C-T.
Other names: c.2887G>A, p.Val963Met (NM_001456.4); short protein forms V963M.
Identifiers: ClinVar variation 1699860 (VCV001699860.2), dbSNP rs2148113732, ClinGen allele CA415231600.

ClinVar aggregate classification (germline): Uncertain significance (1 of 4 stars; one submission).

gnomAD v4.1: 1 of 1,210,998 alleles (0.000083%); highest among the groups gnomAD compares: Non-Finnish European, 0.00011%; no homozygotes.

Submission:

GeneDx
Classification: Uncertain significance. Last evaluated: 2022-01-27. Review status: criteria provided, single submitter. Criteria: GeneDx Variant Classification Process June 2021. Collection method: clinical testing. Allele origin: germline. Affected: yes.
Comment: Not observed at significant frequency in large population cohorts (gnomAD); In silico analysis supports that this missense variant has a deleterious effect on protein structure/function; Has not been previously published as pathogenic or benign to our knowledge; In silico analysis, which includes splice predictors and evolutionary conservation, suggests this variant may impact gene splicing. In the absence of RNA/functional studies, the actual effect of this sequence change is unknown.